The following is an entry in ClinVar:

NM_024642.5(GALNT12):c.918-12A>T

Gene: GALNT12 (polypeptide N-acetylgalactosaminyltransferase 12; plus strand). Cytogenetic location: 9q22.33.
Variant type: single nucleotide variant.
Coding change: c.918-12A>T on transcript NM_024642.5 (MANE Select); 12 bases into the intron before coding-DNA position 918, A replaced by T.
Molecular consequence: intron variant.
Genome position (GRCh38, 1-based): chr9:98,835,237, A>T. VCF-style: chr9-98835237-A-T. GRCh37 (hg19) VCF-style: chr9-101597519-A-T.
Identifiers: ClinVar variation 4875767 (VCV004875767.1).

ClinVar aggregate classification (germline): Likely benign (1 of 4 stars; one submission).

Conditions:
Colorectal cancer, susceptibility to, 1. Also called: COLORECTAL ADENOMA AND CANCER, SUSCEPTIBILITY TO; COLORECTAL CANCER, SUSCEPTIBILITY TO, ON CHROMOSOME 9. Identifiers: MedGen C1837315, MONDO:0012132, OMIM 608812.

Submission:

Myriad Genetics, Inc.
Classification: Likely benign for Colorectal cancer, susceptibility to, 1. Last evaluated: 2026-04-21. Review status: criteria provided, single submitter. Criteria: Myriad Autosomal Dominant, Autosomal Recessive and X-Linked Classification Criteria (2023). Collection method: clinical testing. Allele origin: unknown.
Comment: This variant is considered likely benign. This variant is intronic and is not expected to impact mRNA splicing.